The following is an entry in ClinVar:

NM_005633.4(SOS1):c.3250dup (p.Arg1084fs)

Gene: SOS1 (SOS Ras/Rac guanine nucleotide exchange factor 1; minus strand). Cytogenetic location: 2p22.1.
Variant type: Duplication.
Coding change: c.3250dup on transcript NM_005633.4 (MANE Select); coding-DNA position 3250, one base duplicated (A; older notation c.3250dupA).
Protein change: p.Arg1084fs; shifts the reading frame from arginine 1084.
Molecular consequence: frameshift variant.
Genome position (GRCh38, 1-based): chr2:38,995,219, T duplicated on the plus strand (A on the coding strand, the reverse complement: SOS1 is on the minus strand); the first of 2 consecutive T bases (chr2:38,995,219-38,995,220); duplicating either gives the same sequence. VCF-style (leftmost placement, unchanged base first): chr2-38995218-C-CT. GRCh37 (hg19) VCF-style: chr2-39222359-C-CT.
Other names: c.3229dup, p.Arg1077fs (NM_001382394.1); c.3250dup, p.Arg1084fs (NM_001382395.1); short protein forms R1084fs, R1077fs.
Identifiers: ClinVar variation 4718973 (VCV004718973.1).
Genomic context (GRCh38, chr2:38,995,218, plus strand): 5'-ACACTGCAAACATCTGTGGTACTGGAAGCACCAGAAGCAGGCGGAGGTGTTAACGGTGTT[C>CT]TTGGAGAATTTGGTGCAGATGCTGTACTTTCTGTTTCACTTTCAGGGATCCTACTATAAC-3'

ClinVar aggregate classification (germline): Uncertain significance (1 of 4 stars; one submission).

Conditions:
RASopathy. Also called: Noonan spectrum disorder; rasopathies. Identifiers: Orphanet 536391, MedGen C5555857, MONDO:0021060.

Submission:

Labcorp Genetics (formerly Invitae), Labcorp
Classification: Uncertain significance for RASopathy. Last evaluated: 2025-05-05. Review status: criteria provided, single submitter. Criteria: Invitae Variant Classification Sherloc (09022015). Collection method: clinical testing. Allele origin: germline.
Comment: This sequence change creates a premature translational stop signal (p.Arg1084Lysfs*23) in the SOS1 gene. It is expected to result in an absent or disrupted protein product. However, the current clinical and genetic evidence is not sufficient to establish whether loss-of-function variants in SOS1 cause disease. This variant is not present in population databases (gnomAD no frequency). This variant has not been reported in the literature in individuals affected with SOS1-related conditions. In summary, the available evidence is currently insufficient to determine the role of this variant in disease. Therefore, it has been classified as a Variant of Uncertain Significance.